The following is an entry in ClinVar:

ClinVar aggregate classification (germline): Uncertain significance (1 of 4 stars; one submission).

Allele frequency attached by ClinVar (database versions not stated): gnomAD exomes below 0.00001.
gnomAD v4.1: 2 of 1,613,998 alleles (0.00012%); highest among the groups gnomAD compares: Non-Finnish European, 0.00017%; no homozygotes.

Submission:

Labcorp Genetics (formerly Invitae), Labcorp
Classification: Uncertain significance. Last evaluated: 2022-03-19. Review status: criteria provided, single submitter. Criteria: Invitae Variant Classification Sherloc (09022015). Collection method: clinical testing. Allele origin: germline.
Comment: This sequence change replaces asparagine, which is neutral and polar, with serine, which is neutral and polar, at codon 627 of the ITGAM protein (p.Asn627Ser). In summary, the available evidence is currently insufficient to determine the role of this variant in disease. Therefore, it has been classified as a Variant of Uncertain Significance. Algorithms developed to predict the effect of missense changes on protein structure and function output the following: SIFT: "Tolerated"; PolyPhen-2: "Benign"; Align-GVGD: "Class C0". The serine amino acid residue is found in multiple mammalian species, which suggests that this missense change does not adversely affect protein function. This variant has not been reported in the literature in individuals affected with ITGAM-related conditions. This variant is not present in population databases (gnomAD no frequency).

NM_000632.4(ITGAM):c.1880A>G (p.Asn627Ser)

Gene: ITGAM (integrin subunit alpha M; plus strand). Cytogenetic location: 16p11.2.
Variant type: single nucleotide variant.
Coding change: c.1880A>G on transcript NM_000632.4 (MANE Select); coding-DNA position 1880, A replaced by G.
Protein change: p.Asn627Ser; replaces asparagine 627 with serine.
Molecular consequence: missense variant.
Genome position (GRCh38, 1-based): chr16:31,321,505, A>G. VCF-style: chr16-31321505-A-G. GRCh37 (hg19) VCF-style: chr16-31332826-A-G.
Other names: c.1883A>G, p.Asn628Ser (NM_001145808.2); short protein forms N628S, N627S.
Identifiers: ClinVar variation 2066474 (VCV002066474.4), dbSNP rs2544489017, ClinGen allele CA395681834.